The following is an entry in ClinVar:

ClinVar aggregate classification (germline): Uncertain significance (1 of 4 stars; one submission).

Submission:

GeneDx
Classification: Uncertain significance. Last evaluated: 2025-09-13. Review status: criteria provided, single submitter. Criteria: GeneDx Variant Classification Process June 2021. Collection method: clinical testing. Allele origin: germline. Affected: yes.
Comment: Not observed at significant frequency in large population cohorts (gnomAD); In silico analysis supports a deleterious effect on splicing; Has not been previously published as pathogenic or benign to our knowledge

NM_001378120.1(MBD5):c.114-9T>G

Gene: MBD5 (methyl-CpG binding domain protein 5; plus strand). Cytogenetic location: 2q23.1.
Variant type: single nucleotide variant.
Coding change: c.114-9T>G on transcript NM_001378120.1 (MANE Select); 9 bases into the intron before coding-DNA position 114, T replaced by G.
Molecular consequence: intron variant.
Genome position (GRCh38, 1-based): chr2:148,462,573, T>G. VCF-style: chr2-148462573-T-G. GRCh37 (hg19) VCF-style: chr2-149220142-T-G.
Other names: c.114-9T>G (NM_018328.5).
Identifiers: ClinVar variation 1878736 (VCV001878736.2), dbSNP rs2469807604, ClinGen allele CA2580063854.